The following is an entry in ClinVar:

ClinVar aggregate classification (germline): Uncertain significance (1 of 4 stars; one submission).

Allele frequency attached by ClinVar (database versions not stated): TOPMed below 0.00001; gnomAD 0.00001; gnomAD exomes 0.00002.
gnomAD v4.1: 36 of 1,609,098 alleles (0.0022%); highest among the groups gnomAD compares: Non-Finnish European, 0.0029%; no homozygotes.

Submission:

Ambry Genetics
Classification: Uncertain significance. Last evaluated: 2023-08-29. Review status: criteria provided, single submitter. Criteria: Ambry Variant Classification Scheme 2023. Collection method: clinical testing. Allele origin: germline.
Comment: The p.E1959G variant (also known as c.5876A>G), located in coding exon 18 of the POLQ gene, results from an A to G substitution at nucleotide position 5876. The glutamic acid at codon 1959 is replaced by glycine, an amino acid with similar properties. This amino acid position is conserved. In addition, this alteration is predicted to be tolerated by in silico analysis. Since supporting evidence is limited at this time, the clinical significance of this alteration remains unclear.

NM_199420.4(POLQ):c.5876A>G (p.Glu1959Gly)

Gene: POLQ (DNA polymerase theta; minus strand). Cytogenetic location: 3q13.33.
Variant type: single nucleotide variant.
Coding change: c.5876A>G on transcript NM_199420.4 (MANE Select); coding-DNA position 5876, A replaced by G.
Protein change: p.Glu1959Gly; replaces glutamic acid 1959 with glycine.
Molecular consequence: missense variant.
Genome position (GRCh38, 1-based): chr3:121,483,480, T>C on the plus strand (A>G on the coding strand, the complement: POLQ is on the minus strand). VCF-style: chr3-121483480-T-C. GRCh37 (hg19) VCF-style: chr3-121202327-T-C.
Other names: short protein forms E1959G.
Identifiers: ClinVar variation 1750219 (VCV001750219.3), dbSNP rs1383326627, ClinGen allele CA354088600.